The following is an entry in ClinVar:

NM_007103.4(NDUFV1):c.1316T>A (p.Ile439Asn)

Genes: NDUFV1 (NADH:ubiquinone oxidoreductase core subunit V1; plus strand), LOC126861242 (CDK7 strongly-dependent group 2 enhancer GRCh37_chr11:67379204-67380403; plus strand). Cytogenetic location: 11q13.2.
Variant type: single nucleotide variant.
Coding change: c.1316T>A on transcript NM_007103.4 (MANE Select); coding-DNA position 1316, T replaced by A.
Protein change: p.Ile439Asn; replaces isoleucine 439 with asparagine.
Molecular consequence: missense variant.
Genome position (GRCh38, 1-based): chr11:67,612,379, T>A. VCF-style: chr11-67612379-T-A. GRCh37 (hg19) VCF-style: chr11-67379850-T-A.
Other names: c.1289T>A, p.Ile430Asn (NM_001166102.2); short protein forms I439N, I430N.
Identifiers: ClinVar variation 2812358 (VCV002812358.3), dbSNP rs2495727517, ClinGen allele CA381543069.

ClinVar aggregate classification (germline): Uncertain significance (1 of 4 stars; one submission).

Submission:

Labcorp Genetics (formerly Invitae), Labcorp
Classification: Uncertain significance. Last evaluated: 2023-03-14. Review status: criteria provided, single submitter. Criteria: Invitae Variant Classification Sherloc (09022015). Collection method: clinical testing. Allele origin: germline.
Comment: In summary, the available evidence is currently insufficient to determine the role of this variant in disease. Therefore, it has been classified as a Variant of Uncertain Significance. Advanced modeling of protein sequence and biophysical properties (such as structural, functional, and spatial information, amino acid conservation, physicochemical variation, residue mobility, and thermodynamic stability) performed at Invitae indicates that this missense variant is expected to disrupt NDUFV1 protein function. This variant has not been reported in the literature in individuals affected with NDUFV1-related conditions. This variant is not present in population databases (gnomAD no frequency). This sequence change replaces isoleucine, which is neutral and non-polar, with asparagine, which is neutral and polar, at codon 439 of the NDUFV1 protein (p.Ile439Asn).